The following is an entry in ClinVar:

NM_001005373.4(LRSAM1):c.1291A>T (p.Ile431Phe)

Gene: LRSAM1 (leucine rich repeat and sterile alpha motif containing 1; plus strand). Cytogenetic location: 9q33.3.
Variant type: single nucleotide variant.
Coding change: c.1291A>T on transcript NM_001005373.4 (MANE Select); coding-DNA position 1291, A replaced by T.
Protein change: p.Ile431Phe; replaces isoleucine 431 with phenylalanine.
Molecular consequence: missense variant. On other transcripts: non-coding transcript variant (2).
Genome position (GRCh38, 1-based): chr9:127,487,707, A>T. VCF-style: chr9-127487707-A-T. GRCh37 (hg19) VCF-style: chr9-130249986-A-T.
Other names: c.1291A>T, p.Ile431Phe (NM_001005374.4, NM_001190723.3, NM_001384142.1 and 2 more transcripts); c.502A>T, p.Ile168Phe (NM_001384144.1); short protein forms I168F, I431F.
Identifiers: ClinVar variation 1769105 (VCV001769105.3), dbSNP rs2539413136, ClinGen allele CA374932686.
Genomic context (GRCh38, chr9:127,487,707, plus strand): 5'-AATGAATGAATTTGCTGTCTTTCTGGCAGCATGGCCGAAATGGATGAACGATTCCAGCAG[A>T]TTCTGTCGTGGCAGCAAATGGATCAGAACAAAGCCATCAGCCAGATCCTGCAGGAGGTGA-3'
Protein context (NP_001005373.1, residues 421-441): MAEMDERFQQ[Ile431Phe]LSWQQMDQNK

ClinVar aggregate classification (germline): Uncertain significance. Review status: criteria provided, multiple submitters, no conflicts (2 of 4 stars). 2 submissions from 2 submitters: Uncertain significance (2). Last evaluated 2022-03-23.

Conditions:
Inborn genetic diseases. Identifiers: MedGen C0950123, MeSH D030342.

Allele frequency attached by ClinVar (database versions not stated): gnomAD exomes below 0.00001.
gnomAD v4.1: 3 of 1,613,856 alleles (0.00019%); highest among the groups gnomAD compares: Non-Finnish European, 0.00025%; no homozygotes.

Submissions (2):

Blueprint Genetics
Classification: Uncertain significance. Last evaluated: 2022-03-23. Review status: criteria provided, single submitter. Criteria: ACMG Guidelines, 2015. Collection method: clinical testing. Allele origin: germline.

Ambry Genetics
Classification: Uncertain significance for Inborn genetic diseases. Last evaluated: 2020-01-09. Review status: criteria provided, single submitter. Criteria: Ambry Variant Classification Scheme 2023. Collection method: clinical testing. Allele origin: germline.
Comment: The p.I431F variant (also known as c.1291A>T), located in coding exon 16 of the LRSAM1 gene, results from an A to T substitution at nucleotide position 1291. The isoleucine at codon 431 is replaced by phenylalanine, an amino acid with highly similar properties. This amino acid position is highly conserved in available vertebrate species. In addition, the in silico prediction for this alteration is inconclusive. Since supporting evidence is limited at this time, the clinical significance of this alteration remains unclear.